The following is an entry in ClinVar:

NM_177550.5(SLC13A5):c.1438-164G>A

Gene: SLC13A5 (solute carrier family 13 member 5; minus strand). Cytogenetic location: 17p13.1.
Variant type: single nucleotide variant.
Coding change: c.1438-164G>A on transcript NM_177550.5 (MANE Select); 164 bases into the intron before coding-DNA position 1438, G replaced by A.
Molecular consequence: intron variant.
Genome position (GRCh38, 1-based): chr17:6,687,830, C>T on the plus strand (G>A on the coding strand, the complement: SLC13A5 is on the minus strand). VCF-style: chr17-6687830-C-T. GRCh37 (hg19) VCF-style: chr17-6591149-C-T.
Other names: c.1309-164G>A (NM_001284510.2); c.1387-164G>A (NM_001284509.2); c.1438-1492G>A (NM_001143838.3).
Identifiers: ClinVar variation 670102 (VCV000670102.4), dbSNP rs3744394, ClinGen allele CA14501493.
Genomic context (GRCh38, chr17:6,687,830, plus strand): 5'-CTGTGCCTCAGTCTTGGTTCCTCTCCCTTTTGCCACGTCTCTGGCAGATAATTCCACCTA[C>T]GGAACACTGAAGGCTGAGGTCAGAGGCCACCTGCCCTAGAAGGCCTTACCCCCTCAATTC-3'

ClinVar aggregate classification (germline): Benign. Review status: criteria provided, multiple submitters, no conflicts (2 of 4 stars). 3 submissions from 3 submitters: Benign (3). Last evaluated 2024-07-31.

Allele frequency attached by ClinVar (database versions not stated): gnomAD 0.12400 and 0.13377; TOPMed 0.13369; gnomAD exomes 0.15868; 1000 Genomes Project 30x 0.20846; 1000 Genomes Project 0.21905.
gnomAD v4.1: 131,179 of 848,702 alleles (15%); highest among the groups gnomAD compares: East Asian, 58%; 14,051 homozygotes.

Submissions (3):

Unidad de Genómica Garrahan, Hospital de Pediatría Garrahan
Classification: Benign. Last evaluated: 2024-07-31. Review status: criteria provided, single submitter. Criteria: ACMG Guidelines, 2015. Collection method: clinical testing. Allele origin: germline. Affected: no. Observed: 28 variant alleles.
Comment: This variant is classified as Benign based on local population frequency. This variant was detected in 30% of patients studied in a panel designed for Epileptic and Developmental Encephalopathy, Progressive Myoclonus Epilepsy and Abnormal Movements and Neurodegeneration with brain iron accumulation. Number of patients: 28. Only high quality variants are reported.

GeneDx
Classification: Benign. Last evaluated: 2018-06-14. Review status: criteria provided, single submitter. Criteria: GeneDx Variant Classification (06012015). Collection method: clinical testing. Allele origin: germline. Affected: yes.
Comment: This variant is considered likely benign or benign based on one or more of the following criteria: it is a conservative change, it occurs at a poorly conserved position in the protein, it is predicted to be benign by multiple in silico algorithms, and/or has population frequency not consistent with disease.

Breakthrough Genomics
Classification: Benign. Review status: criteria provided, single submitter. Criteria: ACMG Guidelines, 2015. Collection method: not provided. Allele origin: germline. Inheritance: Autosomal recessive inheritance. Affected: yes.